The following is an entry in ClinVar:

NM_001267727.2(ARSG):c.4G>T (p.Gly2Cys)

Gene: ARSG (arylsulfatase G; plus strand). Cytogenetic location: 17q24.2.
Variant type: single nucleotide variant.
Coding change: c.4G>T on transcript NM_001267727.2 (MANE Select); coding-DNA position 4, G replaced by T.
Protein change: p.Gly2Cys; replaces glycine 2 with cysteine.
Molecular consequence: missense variant.
Genome position (GRCh38, 1-based): chr17:68,307,497, G>T. VCF-style: chr17-68307497-G-T. GRCh37 (hg19) VCF-style: chr17-66303638-G-T.
Other names: c.4G>T, p.Gly2Cys (NM_001352899.2, NM_001352900.2, NM_001352901.2 and 9 more transcripts); short protein forms G2C.
Identifiers: ClinVar variation 1475167 (VCV001475167.6), dbSNP rs2076649820, ClinGen allele CA400745753.

ClinVar aggregate classification (germline): Uncertain significance (1 of 4 stars; one submission).

Allele frequency attached by ClinVar (database versions not stated): gnomAD exomes below 0.00001; gnomAD 0.00001.
gnomAD v4.1: 5 of 1,613,170 alleles (0.00031%); highest among the groups gnomAD compares: South Asian, 0.0055%; no homozygotes.

Submission:

Labcorp Genetics (formerly Invitae), Labcorp
Classification: Uncertain significance. Last evaluated: 2023-08-04. Review status: criteria provided, single submitter. Criteria: Invitae Variant Classification Sherloc (09022015). Collection method: clinical testing. Allele origin: germline.
Comment: In summary, the available evidence is currently insufficient to determine the role of this variant in disease. Therefore, it has been classified as a Variant of Uncertain Significance. An algorithm developed to predict the effect of missense changes on protein structure and function (PolyPhen-2) suggests that this variant is likely to be disruptive. ClinVar contains an entry for this variant (Variation ID: 1475167). This variant has not been reported in the literature in individuals affected with ARSG-related conditions. This variant is not present in population databases (gnomAD no frequency). This sequence change replaces glycine, which is neutral and non-polar, with cysteine, which is neutral and slightly polar, at codon 2 of the ARSG protein (p.Gly2Cys).